The following is an entry in ClinVar:

NM_000051.4(ATM):c.2367C>T (p.Asn789=)

Gene: ATM (ATM serine/threonine kinase; plus strand). Cytogenetic location: 11q22.3.
Variant type: single nucleotide variant.
Coding change: c.2367C>T on transcript NM_000051.4 (MANE Select); coding-DNA position 2367, C replaced by T.
Protein change: p.Asn789=; no amino-acid change (asparagine 789 retained).
Molecular consequence: synonymous variant.
Genome position (GRCh38, 1-based): chr11:108,257,597, C>T. VCF-style: chr11-108257597-C-T. GRCh37 (hg19) VCF-style: chr11-108128324-C-T.
Other names: c.2367C>T, p.Asn789= (NM_001351834.2).
Identifiers: ClinVar variation 1080438 (VCV001080438.12), dbSNP rs2080585059, ClinGen allele CA476672773.
Genomic context (GRCh38, chr11:108,257,597, plus strand): 5'-GGAATTCAGAATTGGTTCCTTGAGAAATATGATGCAGCTATGTACACGTTGCTTGAGCAA[C>T]TGTACCAAGGTAAGATTTTCTTCTTCTTGTTTTGTTTTTTGAGATAGGATCTTTCTCTGT-3'
Protein context (NP_000042.3, residues 779-799): MMQLCTRCLS[Asn789=]CTKKSPNKIA

ClinVar aggregate classification (germline): Benign/Likely benign. Review status: criteria provided, multiple submitters, no conflicts (2 of 4 stars). 3 submissions from 3 submitters: Benign (1); Likely benign (2). Last evaluated 2024-05-08.

Conditions:
Hereditary cancer-predisposing syndrome. Also called: Neoplastic Syndromes, Hereditary; Hereditary neoplastic syndrome; Hereditary Cancer Syndrome; Tumor predisposition. Identifiers: Orphanet 140162, MedGen C0027672, MeSH D009386, MONDO:0015356.
Familial cancer of breast. Also called: BREAST CANCER, FAMILIAL; Hereditary breast cancer; hereditary breast carcinoma. Identifiers: Orphanet 227535, MedGen C0346153, MONDO:0016419, OMIM 114480. Disease mechanism: loss of function.
Ataxia-telangiectasia syndrome (AT). Also called: Ataxia-telangiectasia, complementation group D; Ataxia-telangiectasia, complementation group E; Cerebello-oculocutaneous telangiectasia; Immunodeficiency with ataxia telangiectasia; Ataxia telangiectasia (A-T); Ataxia-telangiectasia. Identifiers: Orphanet 100, MedGen C0004135, MONDO:0008840, OMIM 208900.

Submissions (3):

Myriad Genetics, Inc.
Classification: Benign for Familial cancer of breast. Last evaluated: 2024-05-08. Review status: criteria provided, single submitter. Criteria: Myriad Autosomal Dominant, Autosomal Recessive and X-Linked Classification Criteria (2023). Collection method: clinical testing. Allele origin: unknown.
Comment: This variant is considered benign. This variant is a silent/synonymous amino acid change and it is not expected to impact splicing.

Labcorp Genetics (formerly Invitae), Labcorp
Classification: Likely benign for Ataxia-telangiectasia syndrome. Last evaluated: 2024-04-16. Review status: criteria provided, single submitter. Criteria: Invitae Variant Classification Sherloc (09022015). Collection method: clinical testing. Allele origin: germline.

Ambry Genetics
Classification: Likely benign for Hereditary cancer-predisposing syndrome. Last evaluated: 2021-12-01. Review status: criteria provided, single submitter. Criteria: Ambry Variant Classification Scheme 2023. Collection method: clinical testing. Allele origin: germline.